The following is an entry in ClinVar:

NM_000492.4(CFTR):c.2837A>T (p.Lys946Ile)

Gene: CFTR (CF transmembrane conductance regulator; plus strand). Cytogenetic location: 7q31.2.
Variant type: single nucleotide variant.
Coding change: c.2837A>T on transcript NM_000492.4 (MANE Select); coding-DNA position 2837, A replaced by T.
Protein change: p.Lys946Ile; replaces lysine 946 with isoleucine.
Molecular consequence: missense variant.
Genome position (GRCh38, 1-based): chr7:117,603,711, A>T. VCF-style: chr7-117603711-A-T. GRCh37 (hg19) VCF-style: chr7-117243765-A-T.
Other names: short protein forms K946I.
Identifiers: ClinVar variation 1163874 (VCV001163874.6), dbSNP rs1792261737, ClinGen allele CA368987171.

ClinVar aggregate classification (germline): Uncertain significance. Review status: criteria provided, multiple submitters, no conflicts (2 of 4 stars). 2 submissions from 2 submitters: Uncertain significance (2). Last evaluated 2024-02-26.

Conditions:
Cystic fibrosis (CF). Also called: MUCOVISCIDOSIS. Identifiers: Orphanet 586, MedGen C0010674, MONDO:0009061, OMIM 219700. Disease mechanism: loss of function.

Allele frequency attached by ClinVar (database versions not stated): gnomAD exomes below 0.00001.
gnomAD v4.1: 2 of 1,614,100 alleles (0.00012%); highest among the groups gnomAD compares: Non-Finnish European, 0.00017%; no homozygotes.

Submissions (2):

Ambry Genetics
Classification: Uncertain significance for Cystic fibrosis. Last evaluated: 2024-02-26. Review status: criteria provided, single submitter. Criteria: Ambry Variant Classification Scheme 2023. Collection method: clinical testing. Allele origin: germline.
Comment: The p.K946I variant (also known as c.2837A>T), located in coding exon 17 of the CFTR gene, results from an A to T substitution at nucleotide position 2837. The lysine at codon 946 is replaced by isoleucine, an amino acid with dissimilar properties. This amino acid position is conserved. In addition, this alteration is predicted to be deleterious by in silico analysis. Based on the available evidence, the clinical significance of this alteration remains unclear.

Mayo Clinic Laboratories, Mayo Clinic
Classification: Uncertain significance. Last evaluated: 2019-10-08. Review status: criteria provided, single submitter. Criteria: ACMG Guidelines, 2015. Collection method: clinical testing. Allele origin: germline. Observed: 1 variant allele.